The following is an entry in ClinVar:

ClinVar aggregate classification (germline): Likely pathogenic (1 of 4 stars; one submission).

Conditions:
Autosomal recessive nonsyndromic hearing loss 124. Also called: DEAFNESS, AUTOSOMAL RECESSIVE 124. Identifiers: MedGen C5935612, MONDO:0968981, OMIM 620794.

gnomAD v4.1: 11 of 1,596,858 alleles (0.00069%); highest among the groups gnomAD compares: South Asian, 0.011%; no homozygotes.

Submission:

Diagnostics Services (NGS), CSIR - Centre For Cellular And Molecular Biology
Classification: Likely pathogenic for Autosomal recessive nonsyndromic hearing loss 124. Last evaluated: 2026-06-30. Review status: criteria provided, single submitter. Criteria: ACMG Guidelines, 2015. Collection method: clinical testing. Allele origin: germline. Affected: no. Observed: 1 variant allele, 1 heterozygote.

NM_177531.6(PKHD1L1):c.9394G>T (p.Gly3132Ter)

Gene: PKHD1L1 (PKHD1 like 1; plus strand). Cytogenetic location: 8q23.1.
Variant type: single nucleotide variant.
Coding change: c.9394G>T on transcript NM_177531.6 (MANE Select); coding-DNA position 9394, G replaced by T.
Protein change: p.Gly3132Ter; replaces glycine 3132 with a stop codon.
Molecular consequence: nonsense.
Genome position (GRCh38, 1-based): chr8:109,481,499, G>T. VCF-style: chr8-109481499-G-T. GRCh37 (hg19) VCF-style: chr8-110493728-G-T.
Other names: short protein forms G3132*.
Identifiers: ClinVar variation 4884486 (VCV004884486.1).